The following is an entry in ClinVar:

ClinVar aggregate classification (germline): Uncertain significance (1 of 4 stars; one submission).

Conditions:
Noonan syndrome (NS). Also called: Noonan's syndrome. Identifiers: Orphanet 648, MedGen C0028326, MeSH D009634, MONDO:0018997. Disease mechanism: gain of function.

Submission:

Labcorp Genetics (formerly Invitae), Labcorp
Classification: Uncertain significance for Noonan syndrome. Last evaluated: 2023-12-29. Review status: criteria provided, single submitter. Criteria: Invitae Variant Classification Sherloc (09022015). Collection method: clinical testing. Allele origin: germline.
Comment: This sequence change creates a premature translational stop signal (p.Glu88Lysfs*6) in the RRAS gene. It is expected to result in an absent or disrupted protein product. However, the current clinical and genetic evidence is not sufficient to establish whether loss-of-function variants in RRAS cause disease. This variant is not present in population databases (gnomAD no frequency). This variant has not been reported in the literature in individuals affected with RRAS-related conditions. In summary, the available evidence is currently insufficient to determine the role of this variant in disease. Therefore, it has been classified as a Variant of Uncertain Significance.

NM_006270.5(RRAS):c.262del (p.Glu88fs)

Gene: RRAS (RAS related; minus strand). Cytogenetic location: 19q13.33.
Variant type: Deletion.
Coding change: c.262del on transcript NM_006270.5 (MANE Select); coding-DNA position 262, one base deleted (G; older notation c.262delG).
Protein change: p.Glu88fs; shifts the reading frame from glutamic acid 88.
Molecular consequence: frameshift variant.
Genome position (GRCh38, 1-based): chr19:49,636,906, C deleted on the plus strand (G on the coding strand, the reverse complement: RRAS is on the minus strand); the first of 2 consecutive C bases (chr19:49,636,906-49,636,907); deleting either gives the same sequence. VCF-style (leftmost placement, unchanged base first): chr19-49636905-TC-T. GRCh37 (hg19) VCF-style: chr19-50140162-TC-T.
Other names: short protein forms E88fs.
Identifiers: ClinVar variation 3014053 (VCV003014053.3), dbSNP rs2080999294, ClinGen allele CA2340508117.
Genomic context (GRCh38, chr19:49,636,905, plus strand): 5'-AACACCAGCAGGAAGCCGTGGCCAGCACGCATGTACTGCTCTCTCATGGCCCCGAACTCT[TC>T]CTGGCCCGCGGTGTCCAGGACTGCAGAGACAGGGAGAGGGGCCATCGTGGGGACCAGGCT-3'